The following is an entry in ClinVar:

ClinVar aggregate classification (germline): Uncertain significance (1 of 4 stars; one submission).

Allele frequency attached by ClinVar (database versions not stated): TOPMed below 0.00001.

Submission:

Labcorp Genetics (formerly Invitae), Labcorp
Classification: Uncertain significance. Last evaluated: 2024-03-15. Review status: criteria provided, single submitter. Criteria: Invitae Variant Classification Sherloc (09022015). Collection method: clinical testing. Allele origin: germline.
Comment: This sequence change replaces asparagine, which is neutral and polar, with isoleucine, which is neutral and non-polar, at codon 73 of the FBXO11 protein (p.Asn73Ile). This variant is not present in population databases (gnomAD no frequency). This variant has not been reported in the literature in individuals affected with FBXO11-related conditions. An algorithm developed to predict the effect of missense changes on protein structure and function (PolyPhen-2) suggests that this variant¬¨‚Ä†is likely to be tolerated. In summary, the available evidence is currently insufficient to determine the role of this variant in disease. Therefore, it has been classified as a Variant of Uncertain Significance.

NM_001190274.2(FBXO11):c.218A>T (p.Asn73Ile)

Gene: FBXO11 (F-box protein 11; minus strand). Cytogenetic location: 2p16.3.
Variant type: single nucleotide variant.
Coding change: c.218A>T on transcript NM_001190274.2 (MANE Select); coding-DNA position 218, A replaced by T.
Protein change: p.Asn73Ile; replaces asparagine 73 with isoleucine.
Molecular consequence: missense variant.
Genome position (GRCh38, 1-based): chr2:47,905,503, T>A on the plus strand (A>T on the coding strand, the complement: FBXO11 is on the minus strand). VCF-style: chr2-47905503-T-A. GRCh37 (hg19) VCF-style: chr2-48132642-T-A.
Other names: short protein forms N73I.
Identifiers: ClinVar variation 2903019 (VCV002903019.2), dbSNP rs1678717385, ClinGen allele CA346812491.